The following is an entry in ClinVar:

ClinVar aggregate classification (germline): Uncertain significance (1 of 4 stars; one submission).

Conditions:
Dyskeratosis congenita. Identifiers: Orphanet 1775, MedGen C0265965, MONDO:0015780.

Submission:

Ambry Genetics
Classification: Uncertain significance for Dyskeratosis congenita. Last evaluated: 2025-02-05. Review status: criteria provided, single submitter. Criteria: Ambry Variant Classification Scheme 2023. Collection method: clinical testing. Allele origin: germline.
Comment: The p.C517R variant (also known as c.1549T>C), located in coding exon 2 of the TERT gene, results from a T to C substitution at nucleotide position 1549. The cysteine at codon 517 is replaced by arginine, an amino acid with highly dissimilar properties. This amino acid position is conserved. In addition, this alteration is predicted to be deleterious by in silico analysis. Based on the available evidence, the clinical significance of this variant remains unclear.

NM_198253.3(TERT):c.1549T>C (p.Cys517Arg)

Gene: TERT (telomerase reverse transcriptase; minus strand). Cytogenetic location: 5p15.33.
Variant type: single nucleotide variant.
Coding change: c.1549T>C on transcript NM_198253.3 (MANE Select); coding-DNA position 1549, T replaced by C.
Protein change: p.Cys517Arg; replaces cysteine 517 with arginine.
Molecular consequence: missense variant. On other transcripts: non-coding transcript variant (2).
Genome position (GRCh38, 1-based): chr5:1,293,337, A>G on the plus strand (T>C on the coding strand, the complement: TERT is on the minus strand). VCF-style: chr5-1293337-A-G. GRCh37 (hg19) VCF-style: chr5-1293452-A-G.
Other names: c.1549T>C, p.Cys517Arg (NM_001193376.3); short protein forms C517R.
Identifiers: ClinVar variation 3805787 (VCV003805787.1).